The following is an entry in ClinVar:

ClinVar aggregate classification (germline): Uncertain significance (1 of 4 stars; one submission).

Conditions:
Familial cancer of breast. Also called: BREAST CANCER, FAMILIAL; Hereditary breast cancer; hereditary breast carcinoma. Identifiers: Orphanet 227535, MedGen C0346153, MONDO:0016419, OMIM 114480. Disease mechanism: loss of function.

Submission:

Labcorp Genetics (formerly Invitae), Labcorp
Classification: Uncertain significance for Familial cancer of breast. Last evaluated: 2019-09-16. Review status: criteria provided, single submitter. Criteria: Invitae Variant Classification Sherloc (09022015). Collection method: clinical testing. Allele origin: germline.
Comment: This variant, c.2777_2779del, results in the deletion of 2 amino acid(s) of the PALB2 protein (p.Pro926_Asp927delinsHis), but otherwise preserves the integrity of the reading frame. This variant is not present in population databases (ExAC no frequency). This variant has not been reported in the literature in individuals with PALB2-related conditions. Experimental studies and prediction algorithms are not available or were not evaluated for this variant, and the functional significance of this variant is currently unknown. In summary, the available evidence is currently insufficient to determine the role of this variant in disease. Therefore, it has been classified as a Variant of Uncertain Significance.

NM_024675.4(PALB2):c.2777_2779del (p.Pro926_Asp927delinsHis)

Gene: PALB2 (partner and localizer of BRCA2; minus strand). Cytogenetic location: 16p12.2.
Variant type: Deletion.
Coding change: c.2777_2779del on transcript NM_024675.4 (MANE Select); coding-DNA positions 2777 to 2779, 3 bases deleted (CTG; older notation c.2777_2779delCTG).
Protein change: p.Pro926_Asp927delinsHis.
Molecular consequence: inframe indel.
Genome position (GRCh38, 1-based): chr16:23,624,064-23,624,066, CAG deleted on the plus strand (CTG on the coding strand, the reverse complement: PALB2 is on the minus strand). VCF-style (leftmost placement, unchanged base first): chr16-23624063-TCAG-T. GRCh37 (hg19) VCF-style: chr16-23635384-TCAG-T.
Identifiers: ClinVar variation 936690 (VCV000936690.10), dbSNP rs1966826533, ClinGen allele CA1139664578.